The following is an entry in ClinVar:

NM_001367624.2(ZNF469):c.4661T>C (p.Met1554Thr)

Gene: ZNF469 (zinc finger protein 469; plus strand). Cytogenetic location: 16q24.2.
Variant type: single nucleotide variant.
Coding change: c.4661T>C on transcript NM_001367624.2 (MANE Select); coding-DNA position 4661, T replaced by C.
Protein change: p.Met1554Thr; replaces methionine 1554 with threonine.
Molecular consequence: missense variant.
Genome position (GRCh38, 1-based): chr16:88,432,131, T>C. VCF-style: chr16-88432131-T-C. GRCh37 (hg19) VCF-style: chr16-88498539-T-C.
Other names: NM_001127464.2:c.4577T>C; NM_001127464.1:c.4577T>C; short protein forms M1554T.
Identifiers: ClinVar variation 1702131 (VCV001702131.8), dbSNP rs766157054, ClinGen allele CA286376460.
Genomic context (GRCh38, chr16:88,432,131, plus strand): 5'-TGGTTCCCGGCGCCGCCCCATCTTTGCCTGGGAAGGGGAGTGGATGTAGCGTTGCTCTTA[T>C]GAGTCACCTGTCCGAGGATGAACTGGAGATCCAGAAATTGGTCACCGAATTAGAAAGTCA-3'
Protein context (NP_001354553.1, residues 1544-1564): GKGSGCSVAL[Met1554Thr]SHLSEDELEI

ClinVar aggregate classification (germline): Uncertain significance. Review status: criteria provided, multiple submitters, no conflicts (2 of 4 stars). 3 submissions from 3 submitters: Uncertain significance (3). Last evaluated 2025-09-15.

Conditions:
Cardiovascular phenotype. Identifiers: MedGen CN230736.
Ehlers-Danlos syndrome (EDS). Identifiers: Orphanet 98249, MedGen C0013720, MONDO:0020066.

Allele frequency attached by ClinVar (database versions not stated): TOPMed below 0.00001.

Submissions (3):

Labcorp Genetics (formerly Invitae), Labcorp
Classification: Uncertain significance. Last evaluated: 2025-09-15. Review status: criteria provided, single submitter. Criteria: Invitae Variant Classification Sherloc (09022015). Collection method: clinical testing. Allele origin: germline.
Comment: This sequence change replaces methionine, which is neutral and non-polar, with threonine, which is neutral and polar, at codon 1526 of the ZNF469 protein (p.Met1526Thr). This variant is not present in population databases (gnomAD no frequency). This variant has not been reported in the literature in individuals affected with ZNF469-related conditions. ClinVar contains an entry for this variant (Variation ID: 1702131). An algorithm developed to predict the effect of missense changes on protein structure and function outputs the following: PolyPhen-2: "Benign". The threonine amino acid residue is found in multiple mammalian species, which suggests that this missense change does not adversely affect protein function. In summary, the available evidence is currently insufficient to determine the role of this variant in disease. Therefore, it has been classified as a Variant of Uncertain Significance.

Ambry Genetics
Classification: Uncertain significance for Cardiovascular phenotype. Last evaluated: 2024-05-05. Review status: criteria provided, single submitter. Criteria: Ambry Variant Classification Scheme 2023. Collection method: clinical testing. Allele origin: germline.
Comment: The p.M1526T variant (also known as c.4577T>C), located in coding exon 2 of the ZNF469 gene, results from a T to C substitution at nucleotide position 4577. The methionine at codon 1526 is replaced by threonine, an amino acid with similar properties. This amino acid position is conserved. In addition, this alteration is predicted to be tolerated by in silico analysis. Based on the available evidence, the clinical significance of this variant remains unclear.

Genome Diagnostics Laboratory, The Hospital for Sick Children
Classification: Uncertain significance for Ehlers-Danlos syndrome. Last evaluated: 2018-11-01. Review status: criteria provided, single submitter. Criteria: ACMG Guidelines, 2015. Collection method: clinical testing. Allele origin: germline.